The following is an entry in ClinVar:

NM_002160.4(TNC):c.590G>A (p.Arg197Gln)

Gene: TNC (tenascin C; minus strand). Cytogenetic location: 9q33.1.
Variant type: single nucleotide variant.
Coding change: c.590G>A on transcript NM_002160.4 (MANE Select); coding-DNA position 590, G replaced by A.
Protein change: p.Arg197Gln; replaces arginine 197 with glutamine.
Molecular consequence: missense variant.
Genome position (GRCh38, 1-based): chr9:115,087,141, C>T on the plus strand (G>A on the coding strand, the complement: TNC is on the minus strand). VCF-style: chr9-115087141-C-T. GRCh37 (hg19) VCF-style: chr9-117849420-C-T.
Other names: short protein forms R197Q.
Identifiers: ClinVar variation 1315752 (VCV001315752.3), dbSNP rs144220097, ClinGen allele CA5209021.
Genomic context (GRCh38, chr9:115,087,141, plus strand): 5'-CTGCAGTCCTCGCCCGTGAAGCCGTCGTCACAGATGCACTGCCCATCAATGCACCGGCCT[C>T]GAAGGTGACAGTTGCCTGGACATTCGGGCTCAGAGCAGTTGGGGCCTTTCCAGCCAGGTT-3'
Protein context (NP_002151.2, residues 187-207): EPECPGNCHL[Arg197Gln]GRCIDGQCIC

ClinVar aggregate classification (germline): Likely benign. Review status: criteria provided, multiple submitters, no conflicts (2 of 4 stars). 2 submissions from 2 submitters: Likely benign (2). Last evaluated 2024-10-02.

Allele frequency attached by ClinVar (database versions not stated): gnomAD exomes 0.00014 and 0.00051; ESP Exome Variant Server 0.00015; gnomAD 0.00016 and 0.00021; TOPMed 0.00035; ExAC 0.00049; 1000 Genomes Project 30x 0.00078; 1000 Genomes Project 0.00080.

Submissions (2):

Blueprint Genetics
Classification: Likely benign. Last evaluated: 2024-10-02. Review status: criteria provided, single submitter. Criteria: ACMG Guidelines, 2015. Collection method: clinical testing. Allele origin: germline.

GeneDx
Classification: Likely benign. Last evaluated: 2021-04-29. Review status: criteria provided, single submitter. Criteria: GeneDx Variant Classification Process June 2021. Collection method: clinical testing. Allele origin: germline. Affected: yes.
Comment: In silico analysis supports that this missense variant does not alter protein structure/function; Has not been previously published as pathogenic or benign to our knowledge